The following is an entry in ClinVar:

ClinVar aggregate classification (germline): Conflicting classifications of pathogenicity. Review status: criteria provided, conflicting classifications (1 of 4 stars). 4 submissions from 4 submitters: Uncertain significance (3); Likely benign (1). Last evaluated 2025-12-13.

Conditions:
Hereditary cancer-predisposing syndrome. Also called: Hereditary Cancer Syndrome; Neoplastic Syndromes, Hereditary; Hereditary neoplastic syndrome; Tumor predisposition. Identifiers: Orphanet 140162, MedGen C0027672, MeSH D009386, MONDO:0015356.
Hereditary breast ovarian cancer syndrome. Also called: BRCA1- and BRCA2-Associated Hereditary Breast and Ovarian Cancer; Hereditary breast and ovarian cancer syndrome; Hereditary breast and/or ovarian cancer syndrome; Breast and ovarian cancer; Hereditary breast and ovarian cancer; Hereditary breast and ovarian cancer syndrome (HBOC). Identifiers: Orphanet 145, MedGen C0677776, MeSH D061325, MONDO:0003582. Disease mechanism: loss of function.

gnomAD v4.1: 7 of 1,614,134 alleles (0.00043%); highest among the groups gnomAD compares: Non-Finnish European, 0.00059%; no homozygotes.

Submissions (4):

Labcorp Genetics (formerly Invitae), Labcorp
Classification: Uncertain significance for Hereditary breast ovarian cancer syndrome. Last evaluated: 2025-12-13. Review status: criteria provided, single submitter. Criteria: Invitae Variant Classification Sherloc (09022015). Collection method: clinical testing. Allele origin: germline.
Comment: This sequence change replaces serine, which is neutral and polar, with tyrosine, which is neutral and polar, at codon 1321 of the BRCA1 protein (p.Ser1321Tyr). This variant is not present in population databases (gnomAD no frequency). This variant has not been reported in the literature in individuals affected with BRCA1-related conditions. ClinVar contains an entry for this variant (Variation ID: 142790). Invitae Evidence Modeling of protein sequence and biophysical properties (such as structural, functional, and spatial information, amino acid conservation, physicochemical variation, residue mobility, and thermodynamic stability) indicates that this missense variant is expected to disrupt BRCA1 protein function with a positive predictive value of 80%. In summary, the available evidence is currently insufficient to determine the role of this variant in disease. Therefore, it has been classified as a Variant of Uncertain Significance.

Color Diagnostics, LLC DBA Color Health
Classification: Uncertain significance for Hereditary cancer-predisposing syndrome. Last evaluated: 2025-09-09. Review status: criteria provided, single submitter. Criteria: ACMG Guidelines, 2015. Collection method: clinical testing. Allele origin: germline.
Comment: This missense variant replaces serine with tyrosine at codon 1321 of the BRCA1 protein. Computational prediction is inconclusive regarding the impact of this variant on protein structure and function. To our knowledge, functional studies have not been reported for this variant. This variant has been detected in a breast cancer case-control meta-analysis in 0/60466 cases and 1/53461 unaffected individuals (PMID: 33471991Leiden Open Variation Database DB-ID BRCA1_006294). A multifactorial analysis has reached a combined likelihood ratio (LR) of 0.888 based on reported LR for co-occurrence with a pathogenic variant and personal and family history for 2 carriers (PMID: 31853058). This variant has not been identified in the general population by the Genome Aggregation Database (gnomAD). The available evidence is insufficient to determine the role of this variant in disease conclusively. Therefore, this variant is classified as a Variant of Uncertain Significance.

Ambry Genetics
Classification: Uncertain significance for Hereditary cancer-predisposing syndrome. Last evaluated: 2025-05-01. Review status: criteria provided, single submitter. Criteria: Ambry Variant Classification Scheme 2023. Collection method: clinical testing. Allele origin: germline.
Comment: The p.S1321Y variant (also known as c.3962C>A), located in coding exon 9 of the BRCA1 gene, results from a C to A substitution at nucleotide position 3962. The serine at codon 1321 is replaced by tyrosine, an amino acid with dissimilar properties. This amino acid position is well conserved in available vertebrate species. In addition, the in silico prediction for this alteration is inconclusive. Based on the available evidence, the clinical significance of this variant remains unclear.

University of Washington Department of Laboratory Medicine, University of Washington
Classification: Likely benign for Hereditary cancer-predisposing syndrome. Last evaluated: 2023-03-23. Review status: criteria provided, single submitter. Criteria: Dines et al. (Genet Med. 2020). Collection method: curation. Allele origin: germline.
Comment: Missense variant in a coldspot region where missense variants are very unlikely to be pathogenic (PMID:31911673).

BRCA1 coldspot (exon 11 using historical exon numbering). Reclassification based on statistical prior probability

Literature cited by the submitters: PubMed 31853058 (cited by Color Diagnostics, LLC DBA Color Health); PubMed 33471991 (cited by Color Diagnostics, LLC DBA Color Health).

NM_007294.4(BRCA1):c.3962C>A (p.Ser1321Tyr)

Genes: BRCA1 (BRCA1 DNA repair associated; minus strand), LOC126862571 (BRD4-independent group 4 enhancer GRCh37_chr17:41243136-41244335; plus strand). Cytogenetic location: 17q21.31.
Variant type: single nucleotide variant.
Coding change: c.3962C>A on transcript NM_007294.4 (MANE Select); coding-DNA position 3962, C replaced by A.
Protein change: p.Ser1321Tyr; replaces serine 1321 with tyrosine.
Molecular consequence: missense variant. On other transcripts: intron variant (135).
Genome position (GRCh38, 1-based): chr17:43,091,569, G>T on the plus strand (C>A on the coding strand, the complement: BRCA1 is on the minus strand). VCF-style: chr17-43091569-G-T. GRCh37 (hg19) VCF-style: chr17-41243586-G-T.
Other names: c.3749C>A, p.Ser1250Tyr (NM_001407571.1, NM_001407853.1, NM_001407894.1 and 9 more transcripts); c.3962C>A, p.Ser1321Tyr (NM_001407581.1, NM_001407582.1, NM_001407583.1 and 30 more transcripts); c.3959C>A, p.Ser1320Tyr (NM_001407587.1, NM_001407590.1, NM_001407591.1 and 22 more transcripts); c.3953C>A, p.Ser1318Tyr (NM_001407646.1, NM_001407647.1); c.3839C>A, p.Ser1280Tyr (NM_001407648.1, NM_001407664.1, NM_001407665.1 and 19 more transcripts); c.3836C>A, p.Ser1279Tyr (NM_001407649.1, NM_001407670.1, NM_001407671.1 and 11 more transcripts); c.3884C>A, p.Ser1295Tyr (NM_001407653.1, NM_001407654.1, NM_001407655.1 and 4 more transcripts); c.3881C>A, p.Ser1294Tyr (NM_001407659.1, NM_001407660.1, NM_001407661.1 and 1 more transcripts); and 41 more; short protein forms S1321Y, S1274Y, S1280Y, S1153Y, S1194Y, S1209Y, S1233Y, S1253Y.
Identifiers: ClinVar variation 142790 (VCV000142790.13), dbSNP rs386833394, ClinGen allele CA002535.